The following is an entry in ClinVar:

NM_001364689.3(C4orf50):c.3384C>T (p.His1128=)

Gene: C4orf50 (chromosome 4 open reading frame 50; minus strand). Cytogenetic location: 4p16.2.
Variant type: single nucleotide variant.
Coding change: c.3384C>T on transcript NM_001364689.3 (MANE Select); coding-DNA position 3384, C replaced by T.
Protein change: p.His1128=; no amino-acid change (histidine 1128 retained).
Molecular consequence: synonymous variant.
Genome position (GRCh38, 1-based): chr4:5,988,662, G>A on the plus strand (C>T on the coding strand, the complement: C4orf50 is on the minus strand). VCF-style: chr4-5988662-G-A. GRCh37 (hg19) VCF-style: chr4-5990389-G-A.
Other names: c.2847C>T, p.His949= (NM_001364690.2).
Identifiers: ClinVar variation 2654614 (VCV002654614.24), dbSNP rs113587573, ClinGen allele CA2837864.

ClinVar aggregate classification (germline): Likely benign (1 of 4 stars; one submission).

Allele frequency attached by ClinVar (database versions not stated): ExAC 0.00032; 1000 Genomes Project 30x 0.00141; 1000 Genomes Project 0.00160; gnomAD 0.00177; TOPMed 0.00208.
gnomAD v4.1: 585 of 1,536,066 alleles (0.038%); highest among the groups gnomAD compares: African/African-American, 0.59%; 4 homozygotes.

Submission:

CeGaT Center for Human Genetics Tuebingen
Classification: Likely benign. Last evaluated: 2022-04-01. Review status: criteria provided, single submitter. Criteria: CeGaT Center For Human Genetics Tuebingen Variant Classification Criteria Version 2. Collection method: clinical testing. Allele origin: germline. Affected: yes. Observed: 1 variant allele.
Comment: C4orf50: BP4, BP7